The following is an entry in ClinVar:

NM_176787.5(PIGN):c.2595C>T (p.Leu865=)

Gene: PIGN (phosphatidylinositol glycan anchor biosynthesis class N; minus strand). Cytogenetic location: 18q21.33.
Variant type: single nucleotide variant.
Coding change: c.2595C>T on transcript NM_176787.5 (MANE Select); coding-DNA position 2595, C replaced by T.
Protein change: p.Leu865=; no amino-acid change (leucine 865 retained).
Molecular consequence: synonymous variant.
Genome position (GRCh38, 1-based): chr18:62,074,803, G>A on the plus strand (C>T on the coding strand, the complement: PIGN is on the minus strand). VCF-style: chr18-62074803-G-A. GRCh37 (hg19) VCF-style: chr18-59742036-G-A.
Other names: c.2595C>T, p.Leu865= (NM_012327.6).
Identifiers: ClinVar variation 1186462 (VCV001186462.12), dbSNP rs775357090, ClinGen allele CA8981937.

ClinVar aggregate classification (germline): Conflicting classifications of pathogenicity. Review status: criteria provided, conflicting classifications (1 of 4 stars). 3 submissions from 3 submitters: Uncertain significance (1); Likely benign (2). Last evaluated 2026-02-02.

Conditions:
Multiple congenital anomalies-hypotonia-seizures syndrome 1 (MCAHS1). Also called: GLYCOSYLPHOSPHATIDYLINOSITOL BIOSYNTHESIS DEFECT 3; PIGN-CDG; Congenital disorder of glycosylation due to PIGN deficiency. Identifiers: Orphanet 280633, MedGen C3279775, MONDO:0013563, OMIM 614080.

Allele frequency attached by ClinVar (database versions not stated): gnomAD exomes 0.00001 and 0.00002; TOPMed 0.00001; ExAC 0.00002; gnomAD 0.00002.
gnomAD v4.1: 19 of 1,604,374 alleles (0.0012%); highest among the groups gnomAD compares: East Asian, 0.0067%; no homozygotes.

Submissions (3):

Labcorp Genetics (formerly Invitae), Labcorp
Classification: Likely benign for Multiple congenital anomalies-hypotonia-seizures syndrome 1. Last evaluated: 2026-02-02. Review status: criteria provided, single submitter. Criteria: Invitae Variant Classification Sherloc (09022015). Collection method: clinical testing. Allele origin: germline.

GeneDx
Classification: Uncertain significance. Last evaluated: 2025-05-19. Review status: criteria provided, single submitter. Criteria: GeneDx Variant Classification Process June 2021. Collection method: clinical testing. Allele origin: germline. Affected: yes.
Comment: Not observed at significant frequency in large population cohorts (gnomAD); Has not been previously published as pathogenic or benign to our knowledge; In silico analysis is inconclusive as to whether the variant alters gene splicing. In the absence of RNA/functional studies, the actual effect of this sequence change is unknown.

Blueprint Genetics
Classification: Likely benign. Last evaluated: 2024-10-02. Review status: criteria provided, single submitter. Criteria: ACMG Guidelines, 2015. Collection method: clinical testing. Allele origin: germline.